The following is an entry in ClinVar:

ClinVar aggregate classification (germline): Pathogenic. Review status: criteria provided, multiple submitters, no conflicts (2 of 4 stars). 14 submissions from 14 submitters: Pathogenic (13). 1 of the submissions does not count toward it. Last evaluated 2026-06-04.

Conditions:
CSPP1-related disorder. Also called: CSPP1-related condition.
Joubert syndrome 21 (JBTS21). Identifiers: MedGen C3810212, MONDO:0014288, OMIM 615636.
Inborn genetic diseases. Identifiers: MedGen C0950123, MeSH D030342.

Submissions (14):

Ambry Genetics
Classification: Pathogenic for Inborn genetic diseases. Last evaluated: 2026-06-04. Review status: criteria provided, single submitter. Criteria: Ambry Variant Classification Scheme 2023. Collection method: clinical testing. Allele origin: germline.
Comment: The c.2244_2245delAA (p.E750Gfs*30) alteration, located in exon 18 (coding exon 18) of the CSPP1 gene, consists of a deletion of 2 nucleotides from position 2244 to 2245, causing a translational frameshift with a predicted alternate stop codon after 30 amino acids. This variant is expected to result in loss of function by premature protein truncation or nonsense-mediated mRNA decay. Based on data from gnomAD, this allele has an overall frequency of 0.01% (26/269562) total alleles studied. The highest observed frequency was 0.027% (5/18578) of East Asian alleles. This variant has been identified in conjunction with other CSPP1 variant(s) in individual(s) with features consistent with CSPP1-related Joubert syndrome; in at least one instance, the variants were identified in trans (Tuz, 2014). Based on the available evidence, this alteration is classified as pathogenic.

PreventionGenetics, part of Exact Sciences
Classification: Pathogenic for CSPP1-related condition. Last evaluated: 2026-03-17. Review status: criteria provided, single submitter. Criteria: ACMG Guidelines, 2015. Collection method: clinical testing. Allele origin: germline.
Comment: The CSPP1 c.2244_2245delAA variant is predicted to result in a frameshift and premature protein termination (p.Glu750Glyfs*30). This variant has been reported in the homozygous and compound heterozygous states in individuals with Joubert syndrome (Akizu et al. 2014. PubMed ID: 24360807; Tuz et al. 2013. PubMed ID: 24360808; Álvarez-Mora et al. 2022. PubMed ID: 35183220; Bachmann-Gagescu et al. 2015. PubMed ID: 26092869 Table S5) and with Meckel syndrome (Shaheen et al. 2016. PubMed ID: 27894351 Supplementary Table). This variant is reported in 0.027% of alleles in individuals of East Asian descent in gnomAD. Frameshift variants in CSPP1 are expected to be pathogenic. This variant is interpreted as pathogenic.

3billion
Classification: Pathogenic for Joubert syndrome 21. Last evaluated: 2026-01-13. Review status: criteria provided, single submitter. Criteria: ACMG Guidelines, 2015. Collection method: clinical testing. Allele origin: germline. Affected: yes.
Comment: The variant is observed at an extremely low frequency in the gnomAD v4.1.0 dataset (total allele frequency: 0.009%). Predicted Consequence/Location: Frameshift: predicted to result in a loss or disruption of normal protein function through nonsense-mediated decay (NMD) or protein truncation. Multiple pathogenic variants are reported downstream of the variant. The variant has been reported at least twice as pathogenic with clinical assertions and evidence for the classification (ClinVar ID: VCV000100667 /PMID: 24360807 /3billion dataset). Therefore, this variant is classified as Pathogenic according to the recommendation of ACMG/AMP guideline.

Labcorp Genetics (formerly Invitae), Labcorp
Classification: Pathogenic for Joubert syndrome 21. Last evaluated: 2026-01-02. Review status: criteria provided, single submitter. Criteria: Invitae Variant Classification Sherloc (09022015). Collection method: clinical testing. Allele origin: germline.
Comment: This sequence change creates a premature translational stop signal (p.Glu750Glyfs*30) in the CSPP1 gene. It is expected to result in an absent or disrupted protein product. Loss-of-function variants in CSPP1 are known to be pathogenic (PMID: 24360807, 24360808). This variant is present in population databases (rs751779946, gnomAD 0.02%). This premature translational stop signal has been observed in individuals with Joubert syndrome and Meckel syndrome (PMID: 24360807, 24360808, 27894351). ClinVar contains an entry for this variant (Variation ID: 100667). For these reasons, this variant has been classified as Pathogenic.

GeneDx
Classification: Pathogenic. Last evaluated: 2025-12-20. Review status: criteria provided, single submitter. Criteria: GeneDx Variant Classification Process June 2021. Collection method: clinical testing. Allele origin: germline. Affected: yes.
Comment: Frameshift variant predicted to result in protein truncation or nonsense mediated decay in a gene for which loss of function is a known mechanism of disease; This variant is associated with the following publications: (PMID: 24360807, 24360808, 26092869, 27894351, 35183220, 31964843, 38586154)

Blueprint Genetics
Classification: Pathogenic for CSPP1-related disorders. Last evaluated: 2024-11-27. Review status: criteria provided, single submitter. Criteria: ACMG Guidelines, 2015. Collection method: clinical testing. Allele origin: germline. Affected: yes. Observed: 5 variant alleles.

Women's Health and Genetics/Laboratory Corporation of America, LabCorp
Classification: Pathogenic for Joubert syndrome 21. Last evaluated: 2023-07-17. Review status: criteria provided, single submitter. Criteria: LabCorp Variant Classification Summary - May 2015. Collection method: clinical testing. Allele origin: germline.
Comment: Variant summary: CSPP1 c.2244_2245delAA (p.Glu750GlyfsX30) results in a premature termination codon, predicted to cause an absence of the protein due to nonsense mediated decay, which is a commonly known mechanism for disease. The variant allele was found at a frequency of 9.2e-05 in 238258 control chromosomes. c.2244_2245delAA has been reported in the literature in individuals affected with ciliopathies such as Joubert Syndrome and Meckel-Gruber-like syndrome ((example, Tuz_2014, Fleming_2017). The following publications have been ascertained in the context of this evaluation (PMID: 29146704, 24360808). Seven submitters have cited clinical-significance assessments for this variant to ClinVar after 2014. All submitters classified the variant as pathogenic. Based on the evidence outlined above, the variant was classified as pathogenic.

Fulgent Genetics
Classification: Pathogenic for Joubert syndrome 21. Last evaluated: 2022-05-19. Review status: criteria provided, single submitter. Criteria: ACMG Guidelines, 2015. Collection method: clinical testing. Allele origin: unknown.

Greenwood Genetic Center Diagnostic Laboratories, Greenwood Genetic Center
Classification: Pathogenic for Joubert syndrome 21. Last evaluated: 2021-12-22. Review status: criteria provided, single submitter. Criteria: ACMG Guidelines, 2015. Collection method: clinical testing. Allele origin: germline. Affected: yes.
Comment: PVS1, PM2, PM3

Centre for Mendelian Genomics, University Medical Centre Ljubljana
Classification: Pathogenic for Joubert syndrome 21. Last evaluated: 2018-10-24. Review status: criteria provided, single submitter. Criteria: ACMG Guidelines, 2015. Collection method: clinical testing. Allele origin: unknown. Affected: yes.
Comment: This variant was classified as: Pathogenic. The following ACMG criteria were applied in classifying this variant: PVS1,PS1,PM2.

Baylor Genetics
Classification: Pathogenic for Joubert syndrome 21. Last evaluated: 2018-05-11. Review status: criteria provided, single submitter. Criteria: ACMG Guidelines, 2015. Collection method: clinical testing. Allele origin: maternal. Affected: yes.
Comment: This variant was determined to be pathogenic according to ACMG Guidelines, 2015 [PMID:25741868]. The c.2244_2245delAA (p.E750Gfs*30) variant has been previously reported as disease causing in individuals with Joubert syndrome [PMID 24360807, 27894351, 24360808]

UW Hindbrain Malformation Research Program, University of Washington
Classification: Pathogenic for Joubert syndrome 21. Last evaluated: 2015-02-23. Review status: criteria provided, single submitter. Criteria: Bachmann-Gagescu et al. (J Med Genet. 2015). Collection method: research. Allele origin: unknown. Affected: yes.

Juno Genomics, Hangzhou Juno Genomics, Inc
Classification: Pathogenic for Joubert syndrome 21. Review status: criteria provided, single submitter. Criteria: ACMG Guidelines, 2015. Collection method: clinical testing. Allele origin: germline.
Comment: Absent from controls (or at extremely low frequency if recessive) in Genome Aggregation Database.;Null variant in a gene where loss of function (LOF) is a known mechanism of disease.;For recessive disorders, detected in trans with a pathogenic variant.;Co-segregation with disease in multiple affected family members.

OMIM
Classification: Pathogenic for JOUBERT SYNDROME 21. Last evaluated: 2014-01-02. Review status: no assertion criteria provided. Collection method: literature only. Allele origin: germline. Not counted in ClinVar's aggregate classification.

Literature cited by the submitters: PubMed 24360808 (cited by 5 submitters); PubMed 24360807 (cited by 3 submitters); PubMed 27894351 (cited by Labcorp Genetics (formerly Invitae), Labcorp and Baylor Genetics); PubMed 29146704 (cited by Women's Health and Genetics/Laboratory Corporation of America, LabCorp).

NM_001382391.1(CSPP1):c.2259_2260del (p.Glu755fs)

Gene: CSPP1 (centrosome and spindle pole associated protein 1; plus strand). Cytogenetic location: 8q13.2.
Variant type: Deletion.
Coding change: c.2259_2260del on transcript NM_001382391.1 (MANE Select); coding-DNA positions 2259 to 2260, 2 bases deleted (AA; older notation c.2259_2260delAA).
Protein change: p.Glu755fs; shifts the reading frame from glutamic acid 755.
Molecular consequence: frameshift variant.
Genome position (GRCh38, 1-based): chr8:67,158,464-67,158,465, AA deleted; deleting any 2 consecutive bases within chr8:67,158,463-67,158,465 gives the same sequence; the c. name uses the placement nearest the transcript's 3' end. VCF-style (leftmost placement, unchanged base first): chr8-67158462-CAA-C. GRCh37 (hg19) VCF-style: chr8-68070697-CAA-C.
Other names: c.2244_2245delAA (NM_024790.6); c.1209_1210del, p.Glu405fs (NM_001291339.2); c.2178_2179del, p.Glu728fs (NM_001363131.2); c.2064_2065del, p.Glu690fs (NM_001363132.2); c.1983_1984del, p.Glu663fs (NM_001363133.2); c.2325_2326del, p.Glu777fs (NM_001364869.1); c.2145_2146del, p.Glu717fs (NM_001364870.1); c.2244_2245delAA, p.Glu750Glyfs (NM_024790.7); short protein forms E717fs, E728fs, E750fs, E777fs, E690fs, E405fs, E663fs, E755fs.
Identifiers: ClinVar variation 100667 (VCV000100667.32), dbSNP rs587777139, ClinGen allele CA150607.